The following is an entry in ClinVar:

ClinVar aggregate classification (germline): Uncertain significance. Review status: criteria provided, multiple submitters, no conflicts (2 of 4 stars). 4 submissions from 4 submitters: Uncertain significance (3). 1 of the submissions does not count toward it. Last evaluated 2025-09-27.

Conditions:
Nephronophthisis 15 (NPHP15). Identifiers: Orphanet 3156, MedGen C3541853, MONDO:0013917, OMIM 614845.
CEP164-related disorder. Also called: CEP164-related condition.
Inborn genetic diseases. Identifiers: MedGen C0950123, MeSH D030342.

Allele frequency attached by ClinVar (database versions not stated): ExAC 0.00002; 1000 Genomes Project 30x 0.00016; gnomAD exomes 0.00002; 1000 Genomes Project 0.00020; gnomAD 0.00001.
gnomAD v4.1: 33 of 1,613,572 alleles (0.002%); highest among the groups gnomAD compares: Middle Eastern, 0.017%; no homozygotes.

Submissions (4):

Ambry Genetics
Classification: Uncertain significance for Inborn genetic diseases. Last evaluated: 2025-09-27. Review status: criteria provided, single submitter. Criteria: Ambry Variant Classification Scheme 2023. Collection method: clinical testing. Allele origin: germline.

Labcorp Genetics (formerly Invitae), Labcorp
Classification: Uncertain significance for Nephronophthisis 15. Last evaluated: 2024-12-02. Review status: criteria provided, single submitter. Criteria: Invitae Variant Classification Sherloc (09022015). Collection method: clinical testing. Allele origin: germline.
Comment: This sequence change replaces arginine, which is basic and polar, with tryptophan, which is neutral and slightly polar, at codon 661 of the CEP164 protein (p.Arg661Trp). This variant is present in population databases (rs201175046, gnomAD 0.004%). This variant has not been reported in the literature in individuals affected with CEP164-related conditions. ClinVar contains an entry for this variant (Variation ID: 998445). Invitae Evidence Modeling of protein sequence and biophysical properties (such as structural, functional, and spatial information, amino acid conservation, physicochemical variation, residue mobility, and thermodynamic stability) indicates that this missense variant is not expected to disrupt CEP164 protein function with a negative predictive value of 80%. In summary, the available evidence is currently insufficient to determine the role of this variant in disease. Therefore, it has been classified as a Variant of Uncertain Significance.

Fulgent Genetics
Classification: Uncertain significance for Nephronophthisis 15. Last evaluated: 2022-04-24. Review status: criteria provided, single submitter. Criteria: ACMG Guidelines, 2015. Collection method: clinical testing. Allele origin: unknown.

PreventionGenetics, part of Exact Sciences
Classification: Uncertain significance for CEP164-related condition. Last evaluated: 2024-08-27. Review status: no assertion criteria provided. Collection method: clinical testing. Allele origin: germline. Not counted in ClinVar's aggregate classification.
Comment: The CEP164 c.1981C>T variant is predicted to result in the amino acid substitution p.Arg661Trp. To our knowledge, this variant has not been reported in the literature. This variant is reported in 0.0046% of alleles in individuals of European (Finnish) descent in gnomAD. At this time, the clinical significance of this variant is uncertain due to the absence of conclusive functional and genetic evidence.

NM_014956.5(CEP164):c.1981C>T (p.Arg661Trp)

Gene: CEP164 (centrosomal protein 164; plus strand). Cytogenetic location: 11q23.3.
Variant type: single nucleotide variant.
Coding change: c.1981C>T on transcript NM_014956.5 (MANE Select); coding-DNA position 1981, C replaced by T.
Protein change: p.Arg661Trp; replaces arginine 661 with tryptophan.
Molecular consequence: missense variant.
Genome position (GRCh38, 1-based): chr11:117,390,823, C>T. VCF-style: chr11-117390823-C-T. GRCh37 (hg19) VCF-style: chr11-117261539-C-T.
Other names: c.1990C>T, p.Arg664Trp (NM_001271933.2); c.1981C>T (NM_014956.4); short protein forms R661W, R664W.
Identifiers: ClinVar variation 998445 (VCV000998445.10), dbSNP rs201175046, ClinGen allele CA6294919.